The following is an entry in ClinVar:

NM_017617.5(NOTCH1):c.1693G>A (p.Val565Met)

Gene: NOTCH1 (notch receptor 1; minus strand). Cytogenetic location: 9q34.3.
Variant type: single nucleotide variant.
Coding change: c.1693G>A on transcript NM_017617.5 (MANE Select); coding-DNA position 1693, G replaced by A.
Protein change: p.Val565Met; replaces valine 565 with methionine.
Molecular consequence: missense variant.
Genome position (GRCh38, 1-based): chr9:136,515,693, C>T on the plus strand (G>A on the coding strand, the complement: NOTCH1 is on the minus strand). VCF-style: chr9-136515693-C-T. GRCh37 (hg19) VCF-style: chr9-139410145-C-T.
Other names: c.1693G>A, p.Val565Met (LRG_1122t1); short protein forms V565M.
Identifiers: ClinVar variation 574727 (VCV000574727.12), dbSNP rs750330670, ClinGen allele CA5341657.

ClinVar aggregate classification (germline): Uncertain significance. Review status: criteria provided, multiple submitters, no conflicts (2 of 4 stars). 3 submissions from 3 submitters: Uncertain significance (3). Last evaluated 2026-01-07.

Conditions:
Familial thoracic aortic aneurysm and aortic dissection (TAAD). Also called: Thoracic aortic aneurysms and dissections. Identifiers: Orphanet 91387, MedGen C4707243, MONDO:0019625.
Adams-Oliver syndrome 5 (AOS5). Identifiers: Orphanet 974, MedGen C4014970, MONDO:0014459, OMIM 616028.

Allele frequency attached by ClinVar (database versions not stated): gnomAD exomes 0.00001; TOPMed 0.00001; gnomAD 0.00002; ExAC 0.00004.
gnomAD v4.1: 13 of 1,546,912 alleles (0.00084%); highest among the groups gnomAD compares: Admixed American, 0.0019%; no homozygotes.

Submissions (3):

Labcorp Genetics (formerly Invitae), Labcorp
Classification: Uncertain significance for Adams-Oliver syndrome 5. Last evaluated: 2026-01-07. Review status: criteria provided, single submitter. Criteria: Invitae Variant Classification Sherloc (09022015). Collection method: clinical testing. Allele origin: germline.
Comment: This sequence change replaces valine, which is neutral and non-polar, with methionine, which is neutral and non-polar, at codon 565 of the NOTCH1 protein (p.Val565Met). This variant is not present in population databases (gnomAD no frequency). This variant has not been reported in the literature in individuals affected with NOTCH1-related conditions. ClinVar contains an entry for this variant (Variation ID: 574727). Invitae Evidence Modeling of protein sequence and biophysical properties (such as structural, functional, and spatial information, amino acid conservation, physicochemical variation, residue mobility, and thermodynamic stability) indicates that this missense variant is not expected to disrupt NOTCH1 protein function with a negative predictive value of 95%. In summary, the available evidence is currently insufficient to determine the role of this variant in disease. Therefore, it has been classified as a Variant of Uncertain Significance.

Ambry Genetics
Classification: Uncertain significance for Familial thoracic aortic aneurysm and aortic dissection. Last evaluated: 2024-09-27. Review status: criteria provided, single submitter. Criteria: Ambry Variant Classification Scheme 2023. Collection method: clinical testing. Allele origin: germline.
Comment: The p.V565M variant (also known as c.1693G>A), located in coding exon 11 of the NOTCH1 gene, results from a G to A substitution at nucleotide position 1693. The valine at codon 565 is replaced by methionine, an amino acid with highly similar properties. This amino acid position is not well conserved in available vertebrate species. In addition, this alteration is predicted to be tolerated by in silico analysis. Based on the available evidence, the clinical significance of this variant remains unclear.

GeneDx
Classification: Uncertain significance. Last evaluated: 2024-06-18. Review status: criteria provided, single submitter. Criteria: GeneDx Variant Classification Process June 2021. Collection method: clinical testing. Allele origin: germline. Affected: yes.
Comment: Reliable data are not available in large population cohorts to assess the frequency of this variant in publicly available databases; however, this variant is observed in 0.004% of alleles from individuals undergoing testing at GeneDx; In silico analysis indicates that this missense variant does not alter protein structure/function; Has not been previously published as pathogenic or benign to our knowledge; This variant is associated with the following publications: (PMID: 32436933)